The following is an entry in ClinVar:

NM_015335.5(MED13L):c.443G>C (p.Arg148Pro)

Gene: MED13L (mediator complex subunit 13L; minus strand). Cytogenetic location: 12q24.21.
Variant type: single nucleotide variant.
Coding change: c.443G>C on transcript NM_015335.5 (MANE Select); coding-DNA position 443, G replaced by C.
Protein change: p.Arg148Pro; replaces arginine 148 with proline.
Molecular consequence: missense variant.
Genome position (GRCh38, 1-based): chr12:116,096,705, C>G on the plus strand (G>C on the coding strand, the complement: MED13L is on the minus strand). VCF-style: chr12-116096705-C-G. GRCh37 (hg19) VCF-style: chr12-116534510-C-G.
Other names: short protein forms R148P.
Identifiers: ClinVar variation 3712535 (VCV003712535.2).
Genomic context (GRCh38, chr12:116,096,705, plus strand): 5'-GCCAAGAGCATTCTAAAGGCTCACCTTTTGTTGACTGGCTTTTCATCCTTTTCGTAGGGT[C>G]GGACAAACCATTTCCCAATCCTAACGAAGTTCTTATCCATTAGGCACCTAAAATAATTAC-3'
Protein context (NP_056150.1, residues 138-158): NFVRIGKWFV[Arg148Pro]PYEKDEKPVN

ClinVar aggregate classification (germline): Uncertain significance (1 of 4 stars; one submission).

Conditions:
Dextro-looped transposition of the great arteries. Also called: Dextrotransposition of the great arteries. Identifiers: Orphanet 860, MedGen C3531771, MONDO:0019443, OMIM 608808, HP:0031348.

gnomAD v4.1: 17 of 1,613,920 alleles (0.0011%); highest among the groups gnomAD compares: Non-Finnish European, 0.0014%; no homozygotes.

Submission:

Labcorp Genetics (formerly Invitae), Labcorp
Classification: Uncertain significance for Dextro-looped transposition of the great arteries. Last evaluated: 2025-01-22. Review status: criteria provided, single submitter. Criteria: Invitae Variant Classification Sherloc (09022015). Collection method: clinical testing. Allele origin: germline.
Comment: This sequence change replaces arginine, which is basic and polar, with proline, which is neutral and non-polar, at codon 148 of the MED13L protein (p.Arg148Pro). This variant is not present in population databases (gnomAD no frequency). This variant has not been reported in the literature in individuals affected with MED13L-related conditions. Invitae Evidence Modeling of protein sequence and biophysical properties (such as structural, functional, and spatial information, amino acid conservation, physicochemical variation, residue mobility, and thermodynamic stability) indicates that this missense variant is not expected to disrupt MED13L protein function with a negative predictive value of 80%. In summary, the available evidence is currently insufficient to determine the role of this variant in disease. Therefore, it has been classified as a Variant of Uncertain Significance.